The following is an entry in ClinVar:

ClinVar aggregate classification (germline): Benign (0 of 4 stars; one submission).

Conditions:
DNHD1-related disorder. Also called: DNHD1-related condition.

Allele frequency attached by ClinVar (database versions not stated): 1000 Genomes Project 0.21925; 1000 Genomes Project 30x 0.22314; TOPMed 0.26832; gnomAD 0.27141; ESP Exome Variant Server 0.27428; ExAC 0.29248; gnomAD exomes 0.31218.
gnomAD v4.1: 495,892 of 1,613,990 alleles (31%); highest among the groups gnomAD compares: Admixed American, 36%; 79,186 homozygotes.

Submission:

PreventionGenetics, part of Exact Sciences
Classification: Benign for DNHD1-related condition. Last evaluated: 2021-04-13. Review status: no assertion criteria provided. Collection method: clinical testing. Allele origin: germline.
Comment: This variant is classified as benign based on ACMG/AMP sequence variant interpretation guidelines (Richards et al. 2015 PMID: 25741868, with internal and published modifications).

NM_144666.3(DNHD1):c.1089C>T (p.Phe363=)

Gene: DNHD1 (dynein heavy chain domain 1; plus strand). Cytogenetic location: 11p15.4.
Variant type: single nucleotide variant.
Coding change: c.1089C>T on transcript NM_144666.3 (MANE Select); coding-DNA position 1089, C replaced by T.
Protein change: p.Phe363=; no amino-acid change (phenylalanine 363 retained).
Molecular consequence: synonymous variant.
Genome position (GRCh38, 1-based): chr11:6,509,048, C>T. VCF-style: chr11-6509048-C-T. GRCh37 (hg19) VCF-style: chr11-6530278-C-T.
Other names: c.1089C>T, p.Phe363= (NM_173589.4).
Identifiers: ClinVar variation 3060931 (VCV003060931.2), dbSNP rs10839568, ClinGen allele CA5855491.